The following is an entry in ClinVar:

NM_033026.6(PCLO):c.755C>T (p.Pro252Leu)

Gene: PCLO (piccolo presynaptic cytomatrix protein; minus strand). Cytogenetic location: 7q21.11.
Variant type: single nucleotide variant.
Coding change: c.755C>T on transcript NM_033026.6 (MANE Select); coding-DNA position 755, C replaced by T.
Protein change: p.Pro252Leu; replaces proline 252 with leucine.
Molecular consequence: missense variant.
Genome position (GRCh38, 1-based): chr7:83,155,886, G>A on the plus strand (C>T on the coding strand, the complement: PCLO is on the minus strand). VCF-style: chr7-83155886-G-A. GRCh37 (hg19) VCF-style: chr7-82785202-G-A.
Other names: c.755C>T, p.Pro252Leu (NM_014510.3); short protein forms P252L.
Identifiers: ClinVar variation 3631678 (VCV003631678.1).

ClinVar aggregate classification (germline): Uncertain significance (1 of 4 stars; one submission).

gnomAD v4.1: 7 of 1,613,914 alleles (0.00043%); highest among the groups gnomAD compares: South Asian, 0.0011%; no homozygotes.

Submission:

Labcorp Genetics (formerly Invitae), Labcorp
Classification: Uncertain significance. Last evaluated: 2024-11-15. Review status: criteria provided, single submitter. Criteria: Invitae Variant Classification Sherloc (09022015). Collection method: clinical testing. Allele origin: germline.
Comment: This sequence change replaces proline, which is neutral and non-polar, with leucine, which is neutral and non-polar, at codon 252 of the PCLO protein (p.Pro252Leu). This variant is present in population databases (rs747868278, gnomAD 0.003%). This variant has not been reported in the literature in individuals affected with PCLO-related conditions. An algorithm developed to predict the effect of missense changes on protein structure and function outputs the following: PolyPhen-2: "Not Available". The leucine amino acid residue is found in multiple mammalian species, which suggests that this missense change does not adversely affect protein function. In summary, the available evidence is currently insufficient to determine the role of this variant in disease. Therefore, it has been classified as a Variant of Uncertain Significance.